The following is an entry in ClinVar:

ClinVar aggregate classification (germline): Uncertain significance (1 of 4 stars; one submission).

Submission:

Labcorp Genetics (formerly Invitae), Labcorp
Classification: Uncertain significance. Last evaluated: 2022-07-28. Review status: criteria provided, single submitter. Criteria: Invitae Variant Classification Sherloc (09022015). Collection method: clinical testing. Allele origin: germline.
Comment: In summary, the available evidence is currently insufficient to determine the role of this variant in disease. Therefore, it has been classified as a Variant of Uncertain Significance. Algorithms developed to predict the effect of missense changes on protein structure and function are either unavailable or do not agree on the potential impact of this missense change (SIFT: "Deleterious"; PolyPhen-2: "Probably Damaging"; Align-GVGD: "Class C0"). This variant has not been reported in the literature in individuals affected with USH2A-related conditions. This variant is not present in population databases (gnomAD no frequency). This sequence change replaces serine, which is neutral and polar, with proline, which is neutral and non-polar, at codon 1185 of the USH2A protein (p.Ser1185Pro).

NM_206933.4(USH2A):c.3553T>C (p.Ser1185Pro)

Genes: USH2A (usherin; minus strand), USH2A-AS1 (USH2A antisense RNA 1; plus strand). Cytogenetic location: 1q41.
Variant type: single nucleotide variant.
Coding change: c.3553T>C on transcript NM_206933.4 (MANE Select); coding-DNA position 3553, T replaced by C.
Protein change: p.Ser1185Pro; replaces serine 1185 with proline.
Molecular consequence: missense variant.
Genome position (GRCh38, 1-based): chr1:216,199,885, A>G on the plus strand (T>C on the coding strand, the complement: USH2A is on the minus strand). VCF-style: chr1-216199885-A-G. GRCh37 (hg19) VCF-style: chr1-216373227-A-G.
Other names: c.3553T>C, p.Ser1185Pro (NM_007123.6); short protein forms S1185P.
Identifiers: ClinVar variation 2011012 (VCV002011012.4), dbSNP rs2528046413, ClinGen allele CA344868185.